The following is an entry in ClinVar:

NM_177438.3(DICER1):c.592T>A (p.Ser198Thr)

Gene: DICER1 (dicer 1, ribonuclease III; minus strand). Cytogenetic location: 14q32.13.
Variant type: single nucleotide variant.
Coding change: c.592T>A on transcript NM_177438.3 (MANE Select); coding-DNA position 592, T replaced by A.
Protein change: p.Ser198Thr; replaces serine 198 with threonine.
Molecular consequence: missense variant. On other transcripts: 5 prime UTR variant (1), non-coding transcript variant (6).
Genome position (GRCh38, 1-based): chr14:95,129,614, A>T on the plus strand (T>A on the coding strand, the complement: DICER1 is on the minus strand). VCF-style: chr14-95129614-A-T. GRCh37 (hg19) VCF-style: chr14-95595951-A-T.
Other names: c.592T>A, p.Ser198Thr (NM_001195573.1, NM_001271282.3, NM_001291628.2 and 15 more transcripts); c.310T>A, p.Ser104Thr (NM_001395686.1); c.187T>A, p.Ser63Thr (NM_001395687.1, NM_001395688.1, NM_001395689.1 and 3 more transcripts); c.25T>A, p.Ser9Thr (NM_001395691.1); c.-977T>A (NM_001395697.1); short protein forms S9T, S104T, S198T, S63T.
Identifiers: ClinVar variation 2830375 (VCV002830375.3), dbSNP rs1893776984, ClinGen allele CA390888270.

ClinVar aggregate classification (germline): Uncertain significance (1 of 4 stars; one submission).

Conditions:
DICER1-related tumor predisposition. Also called: DICER1-related pleuropulmonary blastoma cancer predisposition syndrome; DICER1 syndrome. Identifiers: Orphanet 284343, MedGen C3839822, MONDO:0100216.

Submission:

Labcorp Genetics (formerly Invitae), Labcorp
Classification: Uncertain significance for DICER1-related tumor predisposition. Last evaluated: 2023-01-20. Review status: criteria provided, single submitter. Criteria: Invitae Variant Classification Sherloc (09022015). Collection method: clinical testing. Allele origin: germline.
Comment: In summary, the available evidence is currently insufficient to determine the role of this variant in disease. Therefore, it has been classified as a Variant of Uncertain Significance. Advanced modeling of protein sequence and biophysical properties (such as structural, functional, and spatial information, amino acid conservation, physicochemical variation, residue mobility, and thermodynamic stability) performed at Invitae indicates that this missense variant is not expected to disrupt DICER1 protein function. This variant has not been reported in the literature in individuals affected with DICER1-related conditions. This variant is not present in population databases (gnomAD no frequency). This sequence change replaces serine, which is neutral and polar, with threonine, which is neutral and polar, at codon 198 of the DICER1 protein (p.Ser198Thr).